The following is an entry in ClinVar:

ClinVar aggregate classification (germline): Uncertain significance (1 of 4 stars; one submission).

Conditions:
Charcot-Marie-Tooth disease X-linked dominant 6. Also called: CHARCOT-MARIE-TOOTH NEUROPATHY, X-LINKED DOMINANT, 6. Identifiers: Orphanet 352675, MedGen C3806702, MONDO:0010479, OMIM 300905.

Submission:

Labcorp Genetics (formerly Invitae), Labcorp
Classification: Uncertain significance for Charcot-Marie-Tooth disease X-linked dominant 6. Last evaluated: 2022-03-28. Review status: criteria provided, single submitter. Criteria: Invitae Variant Classification Sherloc (09022015). Collection method: clinical testing. Allele origin: germline.
Comment: This variant has not been reported in the literature in individuals affected with PDK3-related conditions. In summary, the available evidence is currently insufficient to determine the role of this variant in disease. Therefore, it has been classified as a Variant of Uncertain Significance. Experimental studies and prediction algorithms are not available or were not evaluated, and the functional significance of this variant is currently unknown. This variant is a gross deletion of the genomic region encompassing exon(s) 10 of the PDK3 gene. This variant would be expected to be in-frame, preserving the integrity of the reading frame.

NC_000023.10:g.(?_24549754)_(24549907_?)del

Gene: PDK3 (pyruvate dehydrogenase kinase 3; plus strand). Cytogenetic location: Xp22.11.
Variant type: Deletion.
Identifiers: ClinVar variation 2423827 (VCV002423827.4).